The following is an entry in ClinVar:

NM_024079.5(ALG8):c.622G>A (p.Ala208Thr)

Gene: ALG8 (ALG8 alpha-1,3-glucosyltransferase; minus strand). Cytogenetic location: 11q14.1.
Variant type: single nucleotide variant.
Coding change: c.622G>A on transcript NM_024079.5 (MANE Select); coding-DNA position 622, G replaced by A.
Protein change: p.Ala208Thr; replaces alanine 208 with threonine.
Molecular consequence: missense variant.
Genome position (GRCh38, 1-based): chr11:78,114,317, C>T on the plus strand (G>A on the coding strand, the complement: ALG8 is on the minus strand). VCF-style: chr11-78114317-C-T. GRCh37 (hg19) VCF-style: chr11-77825363-C-T.
Other names: c.622G>A, p.Ala208Thr (NM_001007027.3, NM_001425221.1, NM_001425222.1 and 11 more transcripts); c.625G>A, p.Ala209Thr (NM_001425219.1); c.607G>A, p.Ala203Thr (NM_001425220.1); c.715G>A, p.Ala239Thr (NM_001425224.1); c.469G>A, p.Ala157Thr (NM_001425226.1, NM_001425235.1, NM_001425236.1); c.421G>A, p.Ala141Thr (NM_001425231.1); c.358G>A, p.Ala120Thr (NM_001425234.1, NM_001425239.1); c.106G>A, p.Ala36Thr (NM_001425241.1); and 1 more; short protein forms A120T, A157T, A209T, A141T, A239T, A23T, A203T, A208T.
Identifiers: ClinVar variation 2987211 (VCV002987211.3), dbSNP rs968885498, ClinGen allele CA224910638.

ClinVar aggregate classification (germline): Uncertain significance (1 of 4 stars; one submission).

Conditions:
ALG8 congenital disorder of glycosylation. Also called: CDG Ih; ALG8-CDG; CONGENITAL DISORDER OF GLYCOSYLATION, TYPE Ih. Identifiers: Orphanet 79325, MedGen C2931002, MONDO:0011969, OMIM 608104.

Allele frequency attached by ClinVar (database versions not stated): TOPMed 0.00001.
gnomAD v4.1: 4 of 1,613,988 alleles (0.00025%); highest among the groups gnomAD compares: African/African-American, 0.0053%; no homozygotes.

Submission:

Labcorp Genetics (formerly Invitae), Labcorp
Classification: Uncertain significance for ALG8 congenital disorder of glycosylation. Last evaluated: 2025-02-24. Review status: criteria provided, single submitter. Criteria: Invitae Variant Classification Sherloc (09022015). Collection method: clinical testing. Allele origin: germline.
Comment: This sequence change replaces alanine, which is neutral and non-polar, with threonine, which is neutral and polar, at codon 208 of the ALG8 protein (p.Ala208Thr). This variant is present in population databases (no rsID available, gnomAD 0.01%). This variant has not been reported in the literature in individuals affected with ALG8-related conditions. ClinVar contains an entry for this variant (Variation ID: 2987211). Invitae Evidence Modeling of protein sequence and biophysical properties (such as structural, functional, and spatial information, amino acid conservation, physicochemical variation, residue mobility, and thermodynamic stability) indicates that this missense variant is not expected to disrupt ALG8 protein function with a negative predictive value of 80%. In summary, the available evidence is currently insufficient to determine the role of this variant in disease. Therefore, it has been classified as a Variant of Uncertain Significance.